The following is an entry in ClinVar:

ClinVar aggregate classification (germline): Likely benign. Review status: criteria provided, multiple submitters, no conflicts (2 of 4 stars). 3 submissions from 3 submitters: Likely benign (3). Last evaluated 2025-10-01.

Allele frequency attached by ClinVar (database versions not stated): gnomAD exomes 0.00006 and 0.00011; ExAC 0.00007; gnomAD 0.00007; ESP Exome Variant Server 0.00008; TOPMed 0.00009.
gnomAD v4.1: 171 of 1,613,798 alleles (0.011%); highest among the groups gnomAD compares: Non-Finnish European, 0.013%; 1 homozygote.

Submissions (3):

CeGaT Center for Human Genetics Tuebingen
Classification: Likely benign. Last evaluated: 2025-10-01. Review status: criteria provided, single submitter. Criteria: CeGaT Center For Human Genetics Tuebingen Variant Classification Criteria Version 2. Collection method: clinical testing. Allele origin: germline. Affected: yes. Observed: 3 variant alleles.
Comment: SERPINB6: BP4, BP7

Labcorp Genetics (formerly Invitae), Labcorp
Classification: Likely benign. Last evaluated: 2023-12-28. Review status: criteria provided, single submitter. Criteria: Invitae Variant Classification Sherloc (09022015). Collection method: clinical testing. Allele origin: germline.

GeneDx
Classification: Likely benign. Last evaluated: 2018-05-12. Review status: criteria provided, single submitter. Criteria: GeneDx Variant Classification (06012015). Collection method: clinical testing. Allele origin: germline. Affected: yes.
Comment: This variant is considered likely benign or benign based on one or more of the following criteria: it is a conservative change, it occurs at a poorly conserved position in the protein, it is predicted to be benign by multiple in silico algorithms, and/or has population frequency not consistent with disease.

NM_004568.6(SERPINB6):c.1110C>T (p.Cys370=)

Gene: SERPINB6 (serpin family B member 6; minus strand). Cytogenetic location: 6p25.2.
Variant type: single nucleotide variant.
Coding change: c.1110C>T on transcript NM_004568.6 (MANE Select); coding-DNA position 1110, C replaced by T.
Protein change: p.Cys370=; no amino-acid change (cysteine 370 retained).
Molecular consequence: synonymous variant. On other transcripts: non-coding transcript variant (1).
Genome position (GRCh38, 1-based): chr6:2,948,319, G>A on the plus strand (C>T on the coding strand, the complement: SERPINB6 is on the minus strand). VCF-style: chr6-2948319-G-A. GRCh37 (hg19) VCF-style: chr6-2948553-G-A.
Other names: c.1122C>T, p.Cys374= (NM_001195291.3, NM_001374515.1); c.1152C>T, p.Cys384= (NM_001271822.2); c.1167C>T, p.Cys389= (NM_001271823.2); c.1110C>T, p.Cys370= (NM_001271824.2, NM_001271825.2, NM_001297699.2 and 2 more transcripts); c.978C>T, p.Cys326= (NM_001374517.1).
Identifiers: ClinVar variation 668206 (VCV000668206.32), dbSNP rs3188238, ClinGen allele CA3617347.